The following is an entry in ClinVar:

ClinVar aggregate classification (germline): Uncertain significance (1 of 4 stars; one submission).

Submission:

Quest Diagnostics Nichols Institute San Juan Capistrano
Classification: Uncertain significance. Last evaluated: 2024-10-17. Review status: criteria provided, single submitter. Criteria: Quest Diagnostics criteria. Collection method: clinical testing. Allele origin: unknown.
Comment: The BRIP1 c.1817A>C (p.Lys606Thr) variant has not been reported in individuals with BRIP1-related conditions in the published literature. It also has not been reported in large, multi-ethnic general populations (Genome Aggregation Database). Analysis of this variant using bioinformatics tools for the prediction of the effect of amino acid changes on protein structure and function yielded predictions that this variant is benign. Based on the available information, we are unable to determine the clinical significance of this variant.

NM_032043.3(BRIP1):c.1817A>C (p.Lys606Thr)

Gene: BRIP1 (BRCA1 interacting DNA helicase 1; minus strand). Cytogenetic location: 17q23.2.
Variant type: single nucleotide variant.
Coding change: c.1817A>C on transcript NM_032043.3 (MANE Select); coding-DNA position 1817, A replaced by C.
Protein change: p.Lys606Thr; replaces lysine 606 with threonine.
Molecular consequence: missense variant.
Genome position (GRCh38, 1-based): chr17:61,780,379, T>G on the plus strand (A>C on the coding strand, the complement: BRIP1 is on the minus strand). VCF-style: chr17-61780379-T-G. GRCh37 (hg19) VCF-style: chr17-59857740-T-G.
Other names: short protein forms K606T.
Identifiers: ClinVar variation 3572312 (VCV003572312.1).